The following is an entry in ClinVar:

NM_014975.3(MAST1):c.3584G>T (p.Arg1195Leu)

Gene: MAST1 (microtubule associated serine/threonine kinase 1; plus strand). Cytogenetic location: 19p13.13.
Variant type: single nucleotide variant.
Coding change: c.3584G>T on transcript NM_014975.3 (MANE Select); coding-DNA position 3584, G replaced by T.
Protein change: p.Arg1195Leu; replaces arginine 1195 with leucine.
Molecular consequence: missense variant.
Genome position (GRCh38, 1-based): chr19:12,873,741, G>T. VCF-style: chr19-12873741-G-T. GRCh37 (hg19) VCF-style: chr19-12984555-G-T.
Other names: short protein forms R1195L.
Identifiers: ClinVar variation 3368932 (VCV003368932.1).
Genomic context (GRCh38, chr19:12,873,741, plus strand): 5'-TTCGGCCCAGCACGCTGCACGGACTGTCGCCAAAGCTCCATCGCCAGTACCGCTCTGCGC[G>T]ATGCAAGTCGGCCGGCAACATCCCTCTATCGCCGCTGGCACACACGCCGTCCCCCACGCA-3'
Protein context (NP_055790.1, residues 1185-1205): PKLHRQYRSA[Arg1195Leu]CKSAGNIPLS

ClinVar aggregate classification (germline): Uncertain significance (1 of 4 stars; one submission).

Submission:

GeneDx
Classification: Uncertain significance. Last evaluated: 2024-02-08. Review status: criteria provided, single submitter. Criteria: GeneDx Variant Classification Process June 2021. Collection method: clinical testing. Allele origin: germline. Affected: yes.
Comment: Not observed at significant frequency in large population cohorts (gnomAD); In silico analysis supports that this missense variant has a deleterious effect on protein structure/function; Has not been previously published as pathogenic or benign to our knowledge